The following is an entry in ClinVar:

NM_020975.6(RET):c.755A>T (p.Glu252Val)

Gene: RET (ret proto-oncogene; plus strand). Cytogenetic location: 10q11.21.
Variant type: single nucleotide variant.
Coding change: c.755A>T on transcript NM_020975.6 (MANE Select); coding-DNA position 755, A replaced by T.
Protein change: p.Glu252Val; replaces glutamic acid 252 with valine.
Molecular consequence: missense variant. On other transcripts: 5 prime UTR variant (1), intron variant (22).
Genome position (GRCh38, 1-based): chr10:43,105,081, A>T. VCF-style: chr10-43105081-A-T. GRCh37 (hg19) VCF-style: chr10-43600529-A-T.
Other names: c.-8A>T (NM_001355216.2); c.755A>T, p.Glu252Val (NM_001406743.1, NM_001406744.1, NM_001406759.1 and 6 more transcripts); c.626A>T, p.Glu209Val (NM_001406761.1, NM_001406762.1, NM_001406764.1 and 2 more transcripts); c.467A>T, p.Glu156Val (NM_001406766.1, NM_001406767.1, NM_001406770.1); c.625+2452A>T (NM_001406773.1, NM_001406771.1, NM_001406782.1 and 5 more transcripts); c.496+2452A>T (NM_001406786.1, NM_001406783.1); c.338-3950A>T (NM_001406778.1, NM_001406775.1, NM_001406776.1 and 1 more transcripts); c.337+4359A>T (NM_001406790.1, NM_001406788.1, NM_001406789.1 and 1 more transcripts); and 2 more; short protein forms E252V, E156V, E209V.
Identifiers: ClinVar variation 3432286 (VCV003432286.2).
Genomic context (GRCh38, chr10:43,105,081, plus strand): 5'-AGCAGCGGGAGAAGTACGAGCTGGTGGCCGTGTGCACCGTGCACGCCGGCGCGCGCGAGG[A>T]GGTGGTGATGGTGCCCTTCCCGGTGACCGTGTACGACGAGGACGACTCGGCGCCCACCTT-3'
Protein context (NP_066124.1, residues 242-262): VCTVHAGARE[Glu252Val]VVMVPFPVTV

ClinVar aggregate classification (germline): Uncertain significance. Review status: criteria provided, multiple submitters, no conflicts (2 of 4 stars). 2 submissions from 2 submitters: Uncertain significance (2). Last evaluated 2025-09-20.

Conditions:
Hereditary cancer-predisposing syndrome. Also called: Neoplastic Syndromes, Hereditary; Tumor predisposition; Hereditary Cancer Syndrome; Hereditary neoplastic syndrome. Identifiers: Orphanet 140162, MedGen C0027672, MeSH D009386, MONDO:0015356.
Multiple endocrine neoplasia, type 2 (MEN2). Identifiers: Orphanet 653, MedGen C4048306, MONDO:0019003. Disease mechanism: gain of function.

Submissions (2):

Labcorp Genetics (formerly Invitae), Labcorp
Classification: Uncertain significance for Multiple endocrine neoplasia, type 2. Last evaluated: 2025-09-20. Review status: criteria provided, single submitter. Criteria: Invitae Variant Classification Sherloc (09022015). Collection method: clinical testing. Allele origin: germline.
Comment: This sequence change replaces glutamic acid, which is acidic and polar, with valine, which is neutral and non-polar, at codon 252 of the RET protein (p.Glu252Val). This variant is not present in population databases (gnomAD no frequency). This variant has not been reported in the literature in individuals affected with RET-related conditions. ClinVar contains an entry for this variant (Variation ID: 3432286). An algorithm developed to predict the effect of missense changes on protein structure and function (PolyPhen-2) suggests that this variant is likely to be tolerated. In summary, the available evidence is currently insufficient to determine the role of this variant in disease. Therefore, it has been classified as a Variant of Uncertain Significance.

Ambry Genetics
Classification: Uncertain significance for Hereditary cancer-predisposing syndrome. Last evaluated: 2024-10-28. Review status: criteria provided, single submitter. Criteria: Ambry Variant Classification Scheme 2023. Collection method: clinical testing. Allele origin: germline.
Comment: The p.E252V variant (also known as c.755A>T), located in coding exon 4 of the RET gene, results from an A to T substitution at nucleotide position 755. The glutamic acid at codon 252 is replaced by valine, an amino acid with dissimilar properties. This amino acid position is conserved. In addition, this alteration is predicted to be tolerated by in silico analysis. Based on the available evidence, the clinical significance of this variant remains unclear.